The following is an entry in ClinVar:

ClinVar aggregate classification (germline): Uncertain significance (1 of 4 stars; one submission).

Conditions:
Familial thoracic aortic aneurysm and aortic dissection (TAAD). Also called: Thoracic aortic aneurysms and dissections. Identifiers: Orphanet 91387, MedGen C4707243, MONDO:0019625.

Submission:

Ambry Genetics
Classification: Uncertain significance for Familial thoracic aortic aneurysm and aortic dissection. Last evaluated: 2025-10-14. Review status: criteria provided, single submitter. Criteria: Ambry Variant Classification Scheme 2023. Collection method: clinical testing. Allele origin: germline.
Comment: The p.P88A variant (also known as c.262C>G), located in coding exon 2 of the COL5A2 gene, results from a C to G substitution at nucleotide position 262. The proline at codon 88 is replaced by alanine, an amino acid with highly similar properties. This variant was reported in individual(s) with features consistent with COL5A2-related classic Ehlers-Danlos syndrome (Ambry internal data). This amino acid position is highly conserved in available vertebrate species. In addition, the in silico prediction for this alteration is inconclusive. Based on the available evidence, the clinical significance of this variant remains unclear.

NM_000393.5(COL5A2):c.262C>G (p.Pro88Ala)

Gene: COL5A2 (collagen type V alpha 2 chain; minus strand). Cytogenetic location: 2q32.2.
Variant type: single nucleotide variant.
Coding change: c.262C>G on transcript NM_000393.5 (MANE Select); coding-DNA position 262, C replaced by G.
Protein change: p.Pro88Ala; replaces proline 88 with alanine.
Molecular consequence: missense variant.
Genome position (GRCh38, 1-based): chr2:189,110,285, G>C on the plus strand (C>G on the coding strand, the complement: COL5A2 is on the minus strand). VCF-style: chr2-189110285-G-C. GRCh37 (hg19) VCF-style: chr2-189975011-G-C.
Other names: short protein forms P88A.
Identifiers: ClinVar variation 4635353 (VCV004635353.1).